The following is an entry in ClinVar:

ClinVar aggregate classification (germline): Benign (0 of 4 stars; one submission).

Conditions:
MUC16-related disorder. Also called: MUC16-related condition.

Allele frequency attached by ClinVar (database versions not stated): ExAC 0.01409; 1000 Genomes Project 30x 0.23235.

Submission:

PreventionGenetics, part of Exact Sciences
Classification: Benign for MUC16-related condition. Last evaluated: 2019-04-04. Review status: no assertion criteria provided. Collection method: clinical testing. Allele origin: germline.
Comment: This variant is classified as benign based on ACMG/AMP sequence variant interpretation guidelines (Richards et al. 2015 PMID: 25741868, with internal and published modifications).

NM_001401501.2(MUC16):c.39383T>C (p.Ile13128Thr)

Gene: MUC16 (mucin 16, cell surface associated; minus strand). Cytogenetic location: 19p13.2.
Variant type: single nucleotide variant.
Coding change: c.39383T>C on transcript NM_001401501.2 (MANE Select); coding-DNA position 39383, T replaced by C.
Protein change: p.Ile13128Thr; replaces isoleucine 13128 with threonine.
Molecular consequence: missense variant.
Genome position (GRCh38, 1-based): chr19:8,898,600, A>G on the plus strand (T>C on the coding strand, the complement: MUC16 is on the minus strand). VCF-style: chr19-8898600-A-G. GRCh37 (hg19) VCF-style: chr19-9009276-A-G.
Other names: c.39809T>C, p.Ile13270Thr (NM_001414686.1); c.39263T>C, p.Ile13088Thr (NM_001414687.1); c.39197T>C, p.Ile13066Thr (NM_024690.2); short protein forms I13066T, I13088T, I13128T, I13270T.
Identifiers: ClinVar variation 3038186 (VCV003038186.2), dbSNP rs73005882, ClinGen allele CA9164160.